The following is an entry in ClinVar:

NM_001648.2(KLK3):c.54A>G (p.Ala18=)

Gene: KLK3 (kallikrein related peptidase 3; plus strand). Cytogenetic location: 19q13.33.
Variant type: single nucleotide variant.
Coding change: c.54A>G on transcript NM_001648.2 (MANE Select); coding-DNA position 54, A replaced by G.
Protein change: p.Ala18=; no amino-acid change (alanine 18 retained).
Molecular consequence: synonymous variant.
Genome position (GRCh38, 1-based): chr19:50,856,247, A>G. VCF-style: chr19-50856247-A-G. GRCh37 (hg19) VCF-style: chr19-51359503-A-G.
Other names: c.54A>G, p.Ala18= (NM_001030047.1, NM_001030048.1).
Identifiers: ClinVar variation 3060459 (VCV003060459.2), dbSNP rs1135766, ClinGen allele CA9604301.
Genomic context (GRCh38, chr19:50,856,247, plus strand): 5'-CCCCAGTTCCTCCTGTCAACCCTGATTCCCCTGATCTAGCACCCCCTCTGCAGGTGCTGC[A>G]CCCCTCATCCTGTCTCGGATTGTGGGAGGCTGGGAGTGCGAGAAGCATTCCCAACCCTGG-3'
Protein context (NP_001639.1, residues 8-28): LTLSVTWIGA[Ala18=]PLILSRIVGG

ClinVar aggregate classification (germline): Benign (0 of 4 stars; one submission).

Conditions:
KLK3-related disorder. Also called: KLK3-related condition.

Allele frequency attached by ClinVar (database versions not stated): 1000 Genomes Project 30x 0.33963; 1000 Genomes Project 0.33986; ESP Exome Variant Server 0.35799; TOPMed 0.36823; gnomAD 0.36995; ExAC 0.39613.
gnomAD v4.1: 652,677 of 1,608,168 alleles (41%); highest among the groups gnomAD compares: East Asian, 51%; 137,079 homozygotes.

Submission:

PreventionGenetics, part of Exact Sciences
Classification: Benign for KLK3-related condition. Last evaluated: 2019-10-18. Review status: no assertion criteria provided. Collection method: clinical testing. Allele origin: germline.
Comment: This variant is classified as benign based on ACMG/AMP sequence variant interpretation guidelines (Richards et al. 2015 PMID: 25741868, with internal and published modifications).